The following is an entry in ClinVar:

ClinVar aggregate classification (germline): Uncertain significance (1 of 4 stars; one submission).

Conditions:
Pyogenic arthritis-pyoderma gangrenosum-acne syndrome (PAPA). Also called: FAMILIAL RECURRENT ARTHRITIS; PAPA SYNDROME. Identifiers: Orphanet 69126, MedGen C1858361, MONDO:0011462, OMIM 604416.

gnomAD v4.1: 4 of 1,612,334 alleles (0.00025%); highest among the groups gnomAD compares: Non-Finnish European, 0.00034%; no homozygotes.

Submission:

Labcorp Genetics (formerly Invitae), Labcorp
Classification: Uncertain significance for Pyogenic arthritis-pyoderma gangrenosum-acne syndrome. Last evaluated: 2022-10-14. Review status: criteria provided, single submitter. Criteria: Invitae Variant Classification Sherloc (09022015). Collection method: clinical testing. Allele origin: germline.
Comment: In summary, the available evidence is currently insufficient to determine the role of this variant in disease. Therefore, it has been classified as a Variant of Uncertain Significance. Variants that disrupt the consensus splice site are a relatively common cause of aberrant splicing (PMID: 17576681, 9536098). Algorithms developed to predict the effect of sequence changes on RNA splicing suggest that this variant is not likely to affect RNA splicing. This variant has not been reported in the literature in individuals affected with PSTPIP1-related conditions. This variant is not present in population databases (gnomAD no frequency). This sequence change falls in intron 10 of the PSTPIP1 gene. It does not directly change the encoded amino acid sequence of the PSTPIP1 protein. It affects a nucleotide within the consensus splice site.

Literature cited by the submitters: PubMed 17576681; PubMed 9536098.

NM_003978.5(PSTPIP1):c.742-3C>T

Gene: PSTPIP1 (proline-serine-threonine phosphatase interacting protein 1; plus strand). Cytogenetic location: 15q24.3.
Variant type: single nucleotide variant.
Coding change: c.742-3C>T on transcript NM_003978.5 (MANE Select); 3 bases into the intron before coding-DNA position 742, C replaced by T.
Molecular consequence: intron variant.
Genome position (GRCh38, 1-based): chr15:77,032,295, C>T. VCF-style: chr15-77032295-C-T. GRCh37 (hg19) VCF-style: chr15-77324636-C-T.
Other names: c.937-3C>T (NM_001321137.1); c.715-3C>T (NM_001321136.2); c.742-3C>T (NM_001321135.2).
Identifiers: ClinVar variation 2035560 (VCV002035560.4), dbSNP rs2542857666, ClinGen allele CA2580090028.